The following is an entry in ClinVar:

ClinVar aggregate classification (germline): Pathogenic/Likely pathogenic. Review status: criteria provided, multiple submitters, no conflicts (2 of 4 stars). 9 submissions from 9 submitters: Pathogenic (3); Likely pathogenic (2). 4 of the submissions do not count toward it. Last evaluated 2024-06-20.

Conditions:
Mevalonic aciduria (MEVA). Identifiers: Orphanet 29, MedGen C1959626, MONDO:0012481, OMIM 610377.
Hyperimmunoglobulin D with periodic fever (HIDS). Also called: Hyperimmunoglobulinemia D; Hyperimmunoglobulinemia D with periodic fever; HYPERIMMUNOGLOBULINEMIA D AND PERIODIC FEVER SYNDROME. Identifiers: Orphanet 343, MedGen C0398691, MONDO:0009849, OMIM 260920.
MVK-related disorder. Also called: MVK-related disorders; MVK-related condition. Identifiers: MedGen CN239294.
Porokeratosis 3, disseminated superficial actinic type (POROK3). Also called: POROKERATOSIS 3, MULTIPLE TYPES; POROKERATOSIS 3, MIBELLI TYPE; POROKERATOSIS, DISSEMINATED SUPERFICIAL ACTINIC, 1. Identifiers: MedGen C1867981, MONDO:0008293, OMIM 175900.

Allele frequency attached by ClinVar (database versions not stated): TOPMed 0.00002; ESP Exome Variant Server 0.00008; gnomAD exomes 0.00001; ExAC 0.00002.
gnomAD v4.1: 13 of 1,614,202 alleles (0.00081%); highest among the groups gnomAD compares: Admixed American, 0.0033%; no homozygotes.

Submissions (9):

Women's Health and Genetics/Laboratory Corporation of America, LabCorp
Classification: Pathogenic for Hyperimmunoglobulin D with periodic fever. Last evaluated: 2024-06-20. Review status: criteria provided, single submitter. Criteria: LabCorp Variant Classification Summary - May 2015. Collection method: clinical testing. Allele origin: germline.
Comment: Variant summary: MVK c.500C>T (p.Pro167Leu), also referred to as c.591C>T (P165L) in the literature, results in a non-conservative amino acid change located in the GHMP kinase N-terminal domain (IPR006204) of the encoded protein sequence. Four of five in-silico tools predict a damaging effect of the variant on protein function. The variant allele was found at a frequency of 8e-06 in 251380 control chromosomes. c.500C>T has been reported in the literature in at least one homozygote and multiple compound heterozygous individuals affected with Hyper-IgD syndrome (HIDS)/mevalonate kinase deficiency (e.g. Drenth_1999, Cuisset_2001, Simon_2006, Van Gorp_2020). These data indicate that the variant is very likely to be associated with disease. The following publications have been ascertained in the context of this evaluation (PMID: 11313769, 10369262, 16234278, 32312770). ClinVar contains an entry for this variant (Variation ID: 39725). Based on the evidence outlined above, the variant was classified as pathogenic.

Labcorp Genetics (formerly Invitae), Labcorp
Classification: Pathogenic for Mevalonic aciduria; Hyperimmunoglobulin D with periodic fever; Porokeratosis 3, disseminated superficial actinic type. Last evaluated: 2023-08-10. Review status: criteria provided, single submitter. Criteria: Invitae Variant Classification Sherloc (09022015). Collection method: clinical testing. Allele origin: germline.
Comment: This sequence change replaces proline, which is neutral and non-polar, with leucine, which is neutral and non-polar, at codon 167 of the MVK protein (p.Pro167Leu). For these reasons, this variant has been classified as Pathogenic. Advanced modeling of protein sequence and biophysical properties (such as structural, functional, and spatial information, amino acid conservation, physicochemical variation, residue mobility, and thermodynamic stability) performed at Invitae indicates that this missense variant is expected to disrupt MVK protein function. ClinVar contains an entry for this variant (Variation ID: 39725). This missense change has been observed in individual(s) with hyper IgD syndrome (PMID: 10369262, 11313769). In at least one individual the data is consistent with being in trans (on the opposite chromosome) from a pathogenic variant. This variant is present in population databases (rs104895300, gnomAD 0.01%).

Blueprint Genetics
Classification: Pathogenic for MVK-related disorders. Last evaluated: 2022-11-18. Review status: criteria provided, single submitter. Criteria: ACMG Guidelines, 2015. Collection method: clinical testing. Allele origin: germline. Affected: yes. Observed: 1 variant allele.

GeneDx
Classification: Likely pathogenic. Last evaluated: 2016-12-23. Review status: criteria provided, single submitter. Criteria: GeneDx Variant Classification (06012015). Collection method: clinical testing. Allele origin: germline. Affected: yes.
Comment: The P167L likely pathogenic variant, also reported as P165L, in the MVK gene has been observed previously in patients with Hyper IgD syndrome including in both the homozygous and compound heterozygous states (Simon et al., 2004; de Wolff et al., 2009; Cuisset et al., 2001; Drenth et al., 1999). It was not observed at any significant frequency in approximately 6,500 individuals of European and African American ancestry by the NHLBI Exome Sequencing Project. P167L is a semi-conservative amino acid substitution, which may impact secondary protein structure as these residues differ in some properties. Although this substitution occurs at a position that is not conserved, in silico analysis predicts this variant is probably damaging to the protein structure/function. Additionally, missense variants in nearby residues (P165L, N166I, G171R) have been reported in the Human Gene Mutation Database in association with MVK-related disorders (Stenson et al., 2014), supporting the functional importance of this region of the protein. Therefore, this variant is likely pathogenic; however, the possibility that it is benign cannot be excluded.

Juno Genomics, Hangzhou Juno Genomics, Inc
Classification: Likely pathogenic for Hyperimmunoglobulin D with periodic fever; Mevalonic aciduria. Review status: criteria provided, single submitter. Criteria: ACMG Guidelines, 2015. Collection method: clinical testing. Allele origin: germline.
Comment: Absent from controls (or at extremely low frequency if recessive) in Genome Aggregation Database.;Multiple lines of computational evidence support a deleterious effect on the gene or gene product.;For recessive disorders, detected in trans with a pathogenic variant.;Patient's phenotype or family history is highly specific for a disease with a single genetic etiology.

OMIM
Classification: Pathogenic for HYPER-IgD SYNDROME. Last evaluated: 2001-04-01. Review status: no assertion criteria provided. Collection method: literature only. Allele origin: germline. Not counted in ClinVar's aggregate classification.

Genome Diagnostics Laboratory, University Medical Center Utrecht
Classification: Pathogenic. Review status: no assertion criteria provided. Collection method: clinical testing. Allele origin: germline. Affected: yes. Study: VKGL Data-share Consensus. Not counted in ClinVar's aggregate classification.

Joint Genome Diagnostic Labs from Nijmegen and Maastricht, Radboudumc and MUMC+
Classification: Pathogenic. Review status: no assertion criteria provided. Collection method: clinical testing. Allele origin: germline. Affected: yes. Study: VKGL Data-share Consensus. Not counted in ClinVar's aggregate classification.

Unité médicale des maladies autoinflammatoires, CHRU Montpellier
No classification provided. Condition: Hyperimmunoglobulin D with periodic fever. Review status: no classification provided. Collection method: not provided. Allele origin: unknown. Not counted in ClinVar's aggregate classification.
Comment: also involved in OMIM 25117

Literature cited by the submitters: PubMed 16234278 (cited by Women's Health and Genetics/Laboratory Corporation of America, LabCorp); PubMed 32312770 (cited by Women's Health and Genetics/Laboratory Corporation of America, LabCorp); PubMed 11313769 (cited by 3 submitters); PubMed 10369262 (cited by Women's Health and Genetics/Laboratory Corporation of America, LabCorp and Labcorp Genetics (formerly Invitae), Labcorp).

NM_000431.4(MVK):c.500C>T (p.Pro167Leu)

Gene: MVK (mevalonate kinase; plus strand). Cytogenetic location: 12q24.11.
Variant type: single nucleotide variant.
Coding change: c.500C>T on transcript NM_000431.4 (MANE Select); coding-DNA position 500, C replaced by T.
Protein change: p.Pro167Leu; replaces proline 167 with leucine.
Molecular consequence: missense variant. On other transcripts: intron variant (1).
Genome position (GRCh38, 1-based): chr12:109,581,523, C>T. VCF-style: chr12-109581523-C-T. GRCh37 (hg19) VCF-style: chr12-110019328-C-T.
Other names: c.500C>T, p.Pro167Leu (NM_001114185.3); c.371+1577C>T (NM_001301182.2); c.500C>T (LRG_156t1); short protein forms P167L.
Identifiers: ClinVar variation 39725 (VCV000039725.12), dbSNP rs104895300, ClinGen allele CA130488.